The following is an entry in ClinVar:

NM_000303.3(PMM2):c.597C>T (p.Asp199=)

Gene: PMM2 (phosphomannomutase 2; plus strand). Cytogenetic location: 16p13.2.
Variant type: single nucleotide variant.
Coding change: c.597C>T on transcript NM_000303.3 (MANE Select); coding-DNA position 597, C replaced by T.
Protein change: p.Asp199=; no amino-acid change (aspartic acid 199 retained).
Molecular consequence: synonymous variant.
Genome position (GRCh38, 1-based): chr16:8,813,064, C>T. VCF-style: chr16-8813064-C-T. GRCh37 (hg19) VCF-style: chr16-8906921-C-T.
Identifiers: ClinVar variation 321220 (VCV000321220.17), dbSNP rs376412367, ClinGen allele CA7894145.

ClinVar aggregate classification (germline): Conflicting classifications of pathogenicity. Review status: criteria provided, conflicting classifications (1 of 4 stars). 4 submissions from 4 submitters: Uncertain significance (1); Likely benign (3). Last evaluated 2026-01-23.

Conditions:
PMM2-congenital disorder of glycosylation. Also called: CDG Ia; PMM2-CDG; JAEKEN SYNDROME; PHOSPHOMANNOMUTASE 2 DEFICIENCY; CARBOHYDRATE-DEFICIENT GLYCOPROTEIN SYNDROME, TYPE Ia; Congenital disorder of glycosylation, type Ia. Identifiers: Orphanet 79318, MedGen C0349653, MONDO:0008907, OMIM 212065.

Allele frequency attached by ClinVar (database versions not stated): TOPMed 0.00001; ExAC 0.00002; gnomAD 0.00003; ESP Exome Variant Server 0.00008.
gnomAD v4.1: 43 of 1,611,810 alleles (0.0027%); highest among the groups gnomAD compares: Admixed American, 0.005%; no homozygotes.

Submissions (4):

Labcorp Genetics (formerly Invitae), Labcorp
Classification: Likely benign for PMM2-congenital disorder of glycosylation. Last evaluated: 2026-01-23. Review status: criteria provided, single submitter. Criteria: Invitae Variant Classification Sherloc (09022015). Collection method: clinical testing. Allele origin: germline.

Blueprint Genetics
Classification: Likely benign. Last evaluated: 2022-02-21. Review status: criteria provided, single submitter. Criteria: ACMG Guidelines, 2015. Collection method: clinical testing. Allele origin: germline.

Illumina Laboratory Services, Illumina
Classification: Uncertain significance for PMM2-congenital disorder of glycosylation. Last evaluated: 2018-01-13. Review status: criteria provided, single submitter. Criteria: ICSL Variant Classification Criteria 13 December 2019. Collection method: clinical testing. Allele origin: germline.

GeneDx
Classification: Likely benign. Last evaluated: 2017-02-07. Review status: criteria provided, single submitter. Criteria: GeneDx Variant Classification (06012015). Collection method: clinical testing. Allele origin: germline. Affected: yes.
Comment: This variant is considered likely benign or benign based on one or more of the following criteria: it is a conservative change, it occurs at a poorly conserved position in the protein, it is predicted to be benign by multiple in silico algorithms, and/or has population frequency not consistent with disease.